The following is an entry in ClinVar:

NM_000135.4(FANCA):c.2657A>C (p.Glu886Ala)

Genes: FANCA (FA complementation group A; minus strand), LOC130059837 (ATAC-STARR-seq lymphoblastoid active region 11420; plus strand). Cytogenetic location: 16q24.3.
Variant type: single nucleotide variant.
Coding change: c.2657A>C on transcript NM_000135.4 (MANE Select); coding-DNA position 2657, A replaced by C.
Protein change: p.Glu886Ala; replaces glutamic acid 886 with alanine.
Molecular consequence: missense variant.
Genome position (GRCh38, 1-based): chr16:89,765,011, T>G on the plus strand (A>C on the coding strand, the complement: FANCA is on the minus strand). VCF-style: chr16-89765011-T-G. GRCh37 (hg19) VCF-style: chr16-89831419-T-G.
Other names: c.2657A>C, p.Glu886Ala (NM_001286167.3); short protein forms E886A.
Identifiers: ClinVar variation 1337780 (VCV001337780.4), dbSNP rs2143289128, ClinGen allele CA397438699.

ClinVar aggregate classification (germline): Uncertain significance (1 of 4 stars; one submission).

Allele frequency attached by ClinVar (database versions not stated): gnomAD exomes below 0.00001; gnomAD 0.00001.
gnomAD v4.1: 3 of 1,614,112 alleles (0.00019%); highest among the groups gnomAD compares: East Asian, 0.0045%; no homozygotes.

Submission:

Genetic Services Laboratory, University of Chicago
Classification: Uncertain significance. Last evaluated: 2020-12-02. Review status: criteria provided, single submitter. Criteria: ACMG Guidelines, 2015. Collection method: clinical testing. Allele origin: germline. Affected: no.
Comment: DNA sequence analysis of the FANCA gene demonstrated a sequence change, c.2657A>C, in exon 28 that results in an amino acid change, p.Glu886Ala. This sequence change does not appear to have been previously described in patients with FANCA-related disorders and has also not been described in population databases (gnomAD, ExAC). The p.Glu886Ala change affects a moderately conserved amino acid residue located in a domain of the FANCA protein that is not known to be functional. In-silico pathogenicity prediction tools (SIFT, PolyPhen2, Align GVGD, REVEL) provide contradictory results for the p.Glu886Ala substitution. Due to these contrasting evidences and the lack of functional studies, the clinical significance of the p.Glu886Ala change remains unknown at this time.